The following is an entry in ClinVar:

NM_000465.4(BARD1):c.2244G>A (p.Glu748=)

Gene: BARD1 (BRCA1 associated RING domain 1; minus strand). Cytogenetic location: 2q35.
Variant type: single nucleotide variant.
Coding change: c.2244G>A on transcript NM_000465.4 (MANE Select); coding-DNA position 2244, G replaced by A.
Protein change: p.Glu748=; no amino-acid change (glutamic acid 748 retained).
Molecular consequence: synonymous variant. On other transcripts: non-coding transcript variant (3).
Genome position (GRCh38, 1-based): chr2:214,728,766, C>T on the plus strand (G>A on the coding strand, the complement: BARD1 is on the minus strand). VCF-style: chr2-214728766-C-T. GRCh37 (hg19) VCF-style: chr2-215593490-C-T.
Other names: c.2187G>A, p.Glu729= (NM_001282543.2); c.891G>A, p.Glu297= (NM_001282545.2); c.834G>A, p.Glu278= (NM_001282548.2); c.705G>A, p.Glu235= (NM_001282549.2); c.2244G>A (NM_000465.2).
Identifiers: ClinVar variation 3378907 (VCV003378907.2).

ClinVar aggregate classification (germline): Benign/Likely benign. Review status: criteria provided, multiple submitters, no conflicts (2 of 4 stars). 2 submissions from 2 submitters: Benign (1); Likely benign (1). Last evaluated 2025-11-11.

Conditions:
Hereditary cancer-predisposing syndrome. Also called: Neoplastic Syndromes, Hereditary; Tumor predisposition; Hereditary Cancer Syndrome; Hereditary neoplastic syndrome. Identifiers: Orphanet 140162, MedGen C0027672, MeSH D009386, MONDO:0015356.
Familial cancer of breast. Also called: hereditary breast carcinoma; Hereditary breast cancer; BREAST CANCER, FAMILIAL. Identifiers: Orphanet 227535, MedGen C0346153, MONDO:0016419, OMIM 114480. Disease mechanism: loss of function.

Submissions (2):

Ambry Genetics
Classification: Likely benign for Hereditary cancer-predisposing syndrome. Last evaluated: 2025-11-11. Review status: criteria provided, single submitter. Criteria: Ambry Variant Classification Scheme 2023. Collection method: clinical testing. Allele origin: germline.

Myriad Genetics, Inc.
Classification: Benign for Familial cancer of breast. Last evaluated: 2024-07-30. Review status: criteria provided, single submitter. Criteria: Myriad Autosomal Dominant, Autosomal Recessive and X-Linked Classification Criteria (2023). Collection method: clinical testing. Allele origin: unknown.
Comment: This variant is considered benign. This variant is a silent/synonymous amino acid change and it is not expected to impact splicing.